The following is an entry in ClinVar:

ClinVar aggregate classification (germline): Uncertain significance (1 of 4 stars; one submission).

Conditions:
Hydrocephalus, congenital communicating, 1. Also called: HYDROCEPHALUS, CONGENITAL, 4. Identifiers: MedGen C5231454, MONDO:0032862, OMIM 618667.

Submission:

MGZ Medical Genetics Center
Classification: Uncertain significance for Hydrocephalus, congenital communicating, 1. Last evaluated: 2021-12-28. Review status: criteria provided, single submitter. Criteria: ACMG Guidelines, 2015. Collection method: clinical testing. Allele origin: germline. Affected: yes. Observed: 1 variant allele.
Comment: ACMG criteria applied: PS2, PM2_SUP

NM_001039111.3(TRIM71):c.416_423dup (p.Gly142fs)

Gene: TRIM71 (tripartite motif containing 71; plus strand). Cytogenetic location: 3p22.3.
Variant type: Duplication.
Coding change: c.416_423dup on transcript NM_001039111.3 (MANE Select); coding-DNA positions 416 to 423, 8 bases duplicated (CTCCGGCG; older notation c.416_423dupCTCCGGCG).
Protein change: p.Gly142fs; shifts the reading frame from glycine 142.
Molecular consequence: frameshift variant.
Genome position (GRCh38, 1-based): chr3:32,818,496-32,818,503, CTCCGGCG duplicated; duplicating any 8 consecutive bases within chr3:32,818,490-32,818,503 gives the same sequence; the c. name uses the placement nearest the transcript's 3' end. VCF-style (leftmost placement, unchanged base first): chr3-32818489-G-GCCGGCGCT. GRCh37 (hg19) VCF-style: chr3-32859981-G-GCCGGCGCT.
Other names: short protein forms G142fs.
Identifiers: ClinVar variation 1709089 (VCV001709089.1), dbSNP rs2471020383, ClinGen allele CA2580069234.
Genomic context (GRCh38, chr3:32,818,489, plus strand): 5'-AGCAACCTGCTCGACGCGGTGGTGGCCACTGCCGACGAGCCGCCGCCCAAGAACGGGCGC[G>GCCGGCGCT]CCGGCGCTCCGGCGGGAGCGGGCGGCCACAGCAACCACCGGCACCACGCTCACCACGCGC-3'